The following is an entry in ClinVar:

NM_001430.5(EPAS1):c.218-12C>T

Gene: EPAS1 (endothelial PAS domain protein 1; plus strand). Cytogenetic location: 2p21.
Variant type: single nucleotide variant.
Coding change: c.218-12C>T on transcript NM_001430.5 (MANE Select); 12 bases into the intron before coding-DNA position 218, C replaced by T.
Molecular consequence: intron variant.
Genome position (GRCh38, 1-based): chr2:46,356,139, C>T. VCF-style: chr2-46356139-C-T. GRCh37 (hg19) VCF-style: chr2-46583278-C-T.
Identifiers: ClinVar variation 336238 (VCV000336238.5), dbSNP rs202210836, ClinGen allele CA1644549.

ClinVar aggregate classification (germline): Benign (1 of 4 stars; one submission).

Conditions:
Erythrocytosis, familial, 4 (ECYT4). Identifiers: Orphanet 247511, MedGen C2673187, MONDO:0012729, OMIM 611783.

Allele frequency attached by ClinVar (database versions not stated): 1000 Genomes Project 0.00020; TOPMed 0.00079.
gnomAD v4.1: 2,282 of 1,354,404 alleles (0.17%); highest among the groups gnomAD compares: Non-Finnish European, 0.23%; 23 homozygotes.

Submission:

Illumina Laboratory Services, Illumina
Classification: Benign for Erythrocytosis, familial, 4. Last evaluated: 2018-01-13. Review status: criteria provided, single submitter. Criteria: ICSL Variant Classification Criteria 13 December 2019. Collection method: clinical testing. Allele origin: germline.
Comment: This variant was observed in the ICSL laboratory as part of a predisposition screen in an ostensibly healthy population. It had not been previously curated by ICSL or reported in the Human Gene Mutation Database (HGMD: prior to June 1st, 2018), and was therefore a candidate for classification through an automated scoring system. Utilizing variant allele frequency, disease prevalence and penetrance estimates, and inheritance mode, an automated score was calculated to assess if this variant is too frequent to cause the disease. Based on the score and internal cut-off values, a variant classified as benign is not then subjected to further curation. The score for this variant resulted in a classification of benign for this disease.